The following is an entry in ClinVar:

NM_004304.5(ALK):c.2703C>G (p.Thr901=)

Gene: ALK (ALK receptor tyrosine kinase; minus strand). Cytogenetic location: 2p23.2.
Variant type: single nucleotide variant.
Coding change: c.2703C>G on transcript NM_004304.5 (MANE Select); coding-DNA position 2703, C replaced by G.
Protein change: p.Thr901=; no amino-acid change (threonine 901 retained).
Molecular consequence: synonymous variant.
Genome position (GRCh38, 1-based): chr2:29,228,996, G>C on the plus strand (C>G on the coding strand, the complement: ALK is on the minus strand). VCF-style: chr2-29228996-G-C. GRCh37 (hg19) VCF-style: chr2-29451862-G-C.
Identifiers: ClinVar variation 1794953 (VCV001794953.5), dbSNP rs375296866, ClinGen allele CA1594215.

ClinVar aggregate classification (germline): Conflicting classifications of pathogenicity. Review status: criteria provided, conflicting classifications (1 of 4 stars). 2 submissions from 2 submitters: Uncertain significance (1); Likely benign (1). Last evaluated 2023-04-17.

Conditions:
Hereditary cancer-predisposing syndrome. Also called: Neoplastic Syndromes, Hereditary; Tumor predisposition; Hereditary neoplastic syndrome; Hereditary Cancer Syndrome. Identifiers: Orphanet 140162, MedGen C0027672, MeSH D009386, MONDO:0015356.
Neuroblastoma, susceptibility to, 3. Also called: ALK-Related Neuroblastic Tumor Susceptibility. Identifiers: Orphanet 635, MedGen C2751681, MONDO:0013083, OMIM 613014.

Allele frequency attached by ClinVar (database versions not stated): ESP Exome Variant Server 0.00008.
gnomAD v4.1: 2 of 1,456,022 alleles (0.00014%); highest among the groups gnomAD compares: African/African-American, 0.0016%; no homozygotes.

Submissions (2):

Labcorp Genetics (formerly Invitae), Labcorp
Classification: Uncertain significance for Neuroblastoma, susceptibility to, 3. Last evaluated: 2023-04-17. Review status: criteria provided, single submitter. Criteria: Invitae Variant Classification Sherloc (09022015). Collection method: clinical testing. Allele origin: germline.
Comment: ClinVar contains an entry for this variant (Variation ID: 1794953). Algorithms developed to predict the effect of sequence changes on RNA splicing suggest that this variant may disrupt the consensus splice site. In summary, the available evidence is currently insufficient to determine the role of this variant in disease. Therefore, it has been classified as a Variant of Uncertain Significance. This variant has not been reported in the literature in individuals affected with ALK-related conditions. This variant is present in population databases (rs375296866, gnomAD 0.01%). This sequence change affects codon 901 of the ALK mRNA. It is a 'silent' change, meaning that it does not change the encoded amino acid sequence of the ALK protein.

Ambry Genetics
Classification: Likely benign for Hereditary cancer-predisposing syndrome. Last evaluated: 2022-04-22. Review status: criteria provided, single submitter. Criteria: Ambry Variant Classification Scheme 2023. Collection method: clinical testing. Allele origin: germline.